The following is an entry in ClinVar:

NM_182914.3(SYNE2):c.8005A>G (p.Thr2669Ala)

Gene: SYNE2 (spectrin repeat containing nuclear envelope protein 2; plus strand). Cytogenetic location: 14q23.2.
Variant type: single nucleotide variant.
Coding change: c.8005A>G on transcript NM_182914.3 (MANE Select); coding-DNA position 8005, A replaced by G.
Protein change: p.Thr2669Ala; replaces threonine 2669 with alanine.
Molecular consequence: missense variant.
Genome position (GRCh38, 1-based): chr14:64,051,918, A>G. VCF-style: chr14-64051918-A-G. GRCh37 (hg19) VCF-style: chr14-64518636-A-G.
Other names: c.8005A>G, p.Thr2669Ala (NM_015180.6); short protein forms T2669A.
Identifiers: ClinVar variation 283270 (VCV000283270.23), dbSNP rs374946613, ClinGen allele CA7221049.
Genomic context (GRCh38, chr14:64,051,918, plus strand): 5'-CTACAGTTAAGGCTGAAGTCTCCAGAAGAACGGGCAGGGAACCAAAGCATGATTGCCTTG[A>G]CCACTGACCTCCAGGCTACCAAGCATGGATTTTCTGTTTTAAAGGGGCAAGCTGAACTTC-3'
Protein context (NP_878918.2, residues 2659-2679): RAGNQSMIAL[Thr2669Ala]TDLQATKHGF

ClinVar aggregate classification (germline): Conflicting classifications of pathogenicity. Review status: criteria provided, conflicting classifications (1 of 4 stars). 5 submissions from 5 submitters: Uncertain significance (2); Likely benign (3). Last evaluated 2026-01-08.

Conditions:
Emery-Dreifuss muscular dystrophy 5, autosomal dominant (EDMD5). Also called: EMERY-DREIFUSS MUSCULAR DYSTROPHY 5. Identifiers: Orphanet 261, MedGen C2751805, MONDO:0013072, OMIM 612999.

Allele frequency attached by ClinVar (database versions not stated): ExAC 0.00004; gnomAD exomes 0.00004 and 0.00018; gnomAD 0.00014 and 0.00015; ESP Exome Variant Server 0.00016; TOPMed 0.00016.
gnomAD v4.1: 290 of 1,613,792 alleles (0.018%); highest among the groups gnomAD compares: Non-Finnish European, 0.023%; no homozygotes.

Submissions (5):

Labcorp Genetics (formerly Invitae), Labcorp
Classification: Uncertain significance for Emery-Dreifuss muscular dystrophy 5, autosomal dominant. Last evaluated: 2026-01-08. Review status: criteria provided, single submitter. Criteria: Invitae Variant Classification Sherloc (09022015). Collection method: clinical testing. Allele origin: germline.
Comment: This sequence change replaces threonine, which is neutral and polar, with alanine, which is neutral and non-polar, at codon 2669 of the SYNE2 protein (p.Thr2669Ala). This variant is present in population databases (rs374946613, gnomAD 0.008%). This variant has not been reported in the literature in individuals affected with SYNE2-related conditions. ClinVar contains an entry for this variant (Variation ID: 283270). An algorithm developed to predict the effect of missense changes on protein structure and function outputs the following: PolyPhen-2: "Benign". The alanine amino acid residue is found in multiple mammalian species, which suggests that this missense change does not adversely affect protein function. In summary, the available evidence is currently insufficient to determine the role of this variant in disease. Therefore, it has been classified as a Variant of Uncertain Significance.

Revvity Omics, Revvity
Classification: Likely benign for Emery-Dreifuss muscular dystrophy 5, autosomal dominant. Last evaluated: 2024-10-24. Review status: criteria provided, single submitter. Criteria: ACMG Guidelines, 2015. Collection method: clinical testing. Allele origin: germline.

Ambry Genetics
Classification: Likely benign. Last evaluated: 2022-04-25. Review status: criteria provided, single submitter. Criteria: Ambry Variant Classification Scheme 2023. Collection method: clinical testing. Allele origin: germline.

Illumina Laboratory Services, Illumina
Classification: Likely benign for Emery-Dreifuss muscular dystrophy 5, autosomal dominant. Last evaluated: 2018-01-12. Review status: criteria provided, single submitter. Criteria: ICSL Variant Classification Criteria 13 December 2019. Collection method: clinical testing. Allele origin: germline.
Comment: This variant was observed in the ICSL laboratory as part of a predisposition screen in an ostensibly healthy population. It had not been previously curated by ICSL or reported in the Human Gene Mutation Database (HGMD: prior to June 1st, 2018), and was therefore a candidate for classification through an automated scoring system. Utilizing variant allele frequency, disease prevalence and penetrance estimates, and inheritance mode, an automated score was calculated to assess if this variant is too frequent to cause the disease. Based on the score and internal cut-off values, a variant classified as likely benign is not then subjected to further curation. The score for this variant resulted in a classification of likely benign for this disease.

Eurofins Ntd Llc (ga)
Classification: Uncertain significance. Last evaluated: 2016-05-19. Review status: criteria provided, single submitter. Criteria: EGL Classification Definitions 2015. Collection method: clinical testing. Allele origin: germline. Observed: 2 variant alleles, 2 heterozygotes.